The following is an entry in ClinVar:

ClinVar aggregate classification (germline): Conflicting classifications of pathogenicity. Review status: criteria provided, conflicting classifications (1 of 4 stars). 5 submissions from 1 submitter: Uncertain significance (1); Benign (4). Last evaluated 2018-01-13.

Conditions:
Congenital myasthenic syndrome 16. Identifiers: Orphanet 590, MedGen C3280112, MONDO:0013620, OMIM 614198.
Paramyotonia congenita of Von Eulenburg. Also called: Paramyotonia Congenita; PARALYSIS PERIODICA PARAMYOTONICA; Eulenburg disease; Myotonia congenita intermittens; Von Eulenburg paramyotonia congenita. Identifiers: Orphanet 684, MedGen C0221055, MONDO:0008195, OMIM 168300. Disease mechanism: loss of function.
Hypokalemic periodic paralysis, type 2 (HOKPP2). Identifiers: Orphanet 681, MedGen C2750061, MONDO:0013234, OMIM 613345.
Hyperkalemic periodic paralysis. Also called: Familial hyperkalemic periodic paralysis; Gamstorp disease. Identifiers: Orphanet 682, MedGen C0238357, MONDO:0008224, OMIM 170500, HP:0007215.
Potassium-aggravated myotonia. Also called: Myotonia congenita, atypical, acetazolamide-responsive; MYOTONIA CONGENITA, ACETAZOLAMIDE-RESPONSIVE; MYOTONIA CONGENITA, ATYPICAL; SODIUM CHANNEL MUSCLE DISEASE. Identifiers: Orphanet 612, Orphanet 99734, Orphanet 99735, Orphanet 99736, MedGen C2931826, MONDO:0018959, OMIM 608390.

Allele frequency attached by ClinVar (database versions not stated): 1000 Genomes Project 0.00040; TOPMed 0.00051; gnomAD exomes 0.00014; gnomAD 0.00017; 1000 Genomes Project 30x 0.00047.

Submissions (5):

Illumina Laboratory Services, Illumina
Classification: Benign for Hypokalemic periodic paralysis, type 2. Last evaluated: 2018-01-13. Review status: criteria provided, single submitter. Criteria: ICSL Variant Classification Criteria 13 December 2019. Collection method: clinical testing. Allele origin: germline.
Comment: This variant was observed in the ICSL laboratory as part of a predisposition screen in an ostensibly healthy population. It had not been previously curated by ICSL or reported in the Human Gene Mutation Database (HGMD: prior to June 1st, 2018), and was therefore a candidate for classification through an automated scoring system. Utilizing variant allele frequency, disease prevalence and penetrance estimates, and inheritance mode, an automated score was calculated to assess if this variant is too frequent to cause the disease. Based on the score and internal cut-off values, a variant classified as benign is not then subjected to further curation. The score for this variant resulted in a classification of benign for this disease.

Illumina Laboratory Services, Illumina
Classification: Benign for Paramyotonia congenita of Von Eulenburg. Last evaluated: 2018-01-13. Review status: criteria provided, single submitter. Criteria: ICSL Variant Classification Criteria 13 December 2019. Collection method: clinical testing. Allele origin: germline.
Comment: the same text as in the submission from Illumina Laboratory Services, Illumina above.

Illumina Laboratory Services, Illumina
Classification: Uncertain significance for Congenital myasthenic syndrome 16. Last evaluated: 2018-01-13. Review status: criteria provided, single submitter. Criteria: ICSL Variant Classification Criteria 13 December 2019. Collection method: clinical testing. Allele origin: germline.

Illumina Laboratory Services, Illumina
Classification: Benign for Hyperkalemic periodic paralysis. Last evaluated: 2018-01-13. Review status: criteria provided, single submitter. Criteria: ICSL Variant Classification Criteria 13 December 2019. Collection method: clinical testing. Allele origin: germline.
Comment: the same text as in the submission from Illumina Laboratory Services, Illumina above.

Illumina Laboratory Services, Illumina
Classification: Benign for Potassium-aggravated myotonia. Last evaluated: 2018-01-13. Review status: criteria provided, single submitter. Criteria: ICSL Variant Classification Criteria 13 December 2019. Collection method: clinical testing. Allele origin: germline.
Comment: the same text as in the submission from Illumina Laboratory Services, Illumina above.

NM_000334.4(SCN4A):c.*86G>T

Genes: GH-LCR (growth hormone locus control region; plus strand), SCN4A (sodium voltage-gated channel alpha subunit 4; minus strand). Cytogenetic location: 17q23.3.
Variant type: single nucleotide variant.
Coding change: c.*86G>T on transcript NM_000334.4 (MANE Select); 86 bases downstream of the stop codon, G replaced by T.
Molecular consequence: 3 prime UTR variant.
Genome position (GRCh38, 1-based): chr17:63,940,685, C>A on the plus strand (G>T on the coding strand, the complement: SCN4A is on the minus strand). VCF-style: chr17-63940685-C-A. GRCh37 (hg19) VCF-style: chr17-62018045-C-A.
Identifiers: ClinVar variation 324503 (VCV000324503.5), dbSNP rs566876110, ClinGen allele CA10640210.